The following is an entry in ClinVar:

NM_000278.5(PAX2):c.692A>G (p.Asp231Gly)

Gene: PAX2 (paired box 2; plus strand). Cytogenetic location: 10q24.31.
Variant type: single nucleotide variant.
Coding change: c.692A>G on transcript NM_000278.5 (MANE Select); coding-DNA position 692, A replaced by G.
Protein change: p.Asp231Gly; replaces aspartic acid 231 with glycine.
Molecular consequence: missense variant.
Genome position (GRCh38, 1-based): chr10:100,806,505, A>G. VCF-style: chr10-100806505-A-G. GRCh37 (hg19) VCF-style: chr10-102566262-A-G.
Other names: c.785A>G, p.Asp262Gly (NM_001304569.2); c.761A>G, p.Asp254Gly (NM_003987.5, NM_003990.5); c.692A>G, p.Asp231Gly (NM_003988.5, NM_003989.5); short protein forms D231G, D254G, D262G.
Identifiers: ClinVar variation 2502607 (VCV002502607.2), dbSNP rs2493149506, ClinGen allele CA378259005.

ClinVar aggregate classification (germline): Uncertain significance. Review status: criteria provided, multiple submitters, no conflicts (2 of 4 stars). 2 submissions from 2 submitters: Uncertain significance (2). Last evaluated 2024-05-21.

Submissions (2):

GeneDx
Classification: Uncertain significance. Last evaluated: 2024-05-21. Review status: criteria provided, single submitter. Criteria: GeneDx Variant Classification Process June 2021. Collection method: clinical testing. Allele origin: germline.
Comment: Not observed at significant frequency in large population cohorts (gnomAD); In silico analysis supports that this missense variant has a deleterious effect on protein structure/function; Has not been previously published as pathogenic or benign to our knowledge

Blueprint Genetics
Classification: Uncertain significance. Last evaluated: 2020-02-05. Review status: criteria provided, single submitter. Criteria: ACMG Guidelines, 2015. Collection method: clinical testing. Allele origin: germline.